The following is an entry in ClinVar:

NM_032930.3(CFAP300):c.198_200delinsCC (p.Phe67fs)

Gene: CFAP300 (cilia and flagella associated protein 300; plus strand). Cytogenetic location: 11q22.1.
Variant type: Indel.
Coding change: c.198_200delinsCC on transcript NM_032930.3 (MANE Select); coding-DNA positions 198 to 200, TTT replaced by CC.
Protein change: p.Phe67fs; shifts the reading frame from phenylalanine 67.
Molecular consequence: frameshift variant.
Genome position (GRCh38, 1-based): chr11:102,058,885-102,058,887, TTT replaced by CC. VCF-style: chr11-102058885-TTT-CC. GRCh37 (hg19) VCF-style: chr11-101929616-TTT-CC.
Other names: p.Phe67Profs*10; DEL/INS, NT198; c.198_200delinsCC (NM_032930.2); c.198_200delinsCC, p.Phe67fs (NM_001195005.2, NM_001363505.2); short protein forms F67fs.
Identifiers: ClinVar variation 549862 (VCV000549862.38), dbSNP rs1555069023, ClinGen allele CA658821865.
Genomic context (GRCh38, chr11:102,058,885, plus strand): 5'-TTACTATCATTTATAATAAAATATCTAACTTATTCCCCTCAAATTTGTATTTTAGGCTTT[TTT>CC]CAAAGACCCAAATGTTATTCCCAATTTGAAGTTACTTTCAGATTCTTCTGGACAATGGAT-3'

ClinVar aggregate classification (germline): Pathogenic. Review status: criteria provided, multiple submitters, no conflicts (2 of 4 stars). 7 submissions from 7 submitters: Pathogenic (5). 2 of the submissions do not count toward it. Last evaluated 2026-02-02.

Conditions:
Ciliary dyskinesia, primary, 38 (CILD38). Also called: CILIARY DYSKINESIA, PRIMARY, 38, WITH OR WITHOUT SITUS INVERSUS. Identifiers: MedGen C4748052, MONDO:0054843, OMIM 618063.
CFAP300-related disorder. Also called: CFAP300-related condition.
Primary ciliary dyskinesia. Also called: Ciliary dyskinesia. Identifiers: Orphanet 244, MedGen C0008780, MONDO:0016575, HP:0012265.
Kartagener syndrome (CILD1). Also called: IMMOTILE CILIA SYNDROME; SIEWERT SYNDROME; POLYNESIAN BRONCHIECTASIS; Dextrocardia bronchiectasis and sinusitis; CILIARY DYSKINESIA, PRIMARY, 1; CILIARY DYSKINESIA, PRIMARY, 1, WITH OR WITHOUT SITUS INVERSUS. Identifiers: Orphanet 244, MedGen C4551906, MONDO:0009484, OMIM 244400.

Submissions (7):

Coskunpinar Laboratory, Saglik Bilimleri University, Hamidiye School of Medicine
Classification: Pathogenic for Kartagener syndrome. Last evaluated: 2026-02-02. Review status: criteria provided, single submitter. Criteria: ACMG Guidelines, 2015. Collection method: research. Allele origin: germline. Affected: yes. Observed: 1 variant allele, 1 homozygote.
Comment: This indel variant has been previously reported in patients with primary ciliary dyskinesia (PMID: 29727693) and is predicted to result in loss of function but has not been previously submitted to ClinVar. Frameshift variant in an established primary ciliary dyskinesia disease gene (OMIM:244400). Classification is consistent with Qiagen Clinical Insight Interpret assessment which implements ACMG/AMP variant interpretation guidelines.

Department of Human Genetics, Hannover Medical School
Classification: Pathogenic for Ciliary dyskinesia, primary, 38. Last evaluated: 2024-04-17. Review status: criteria provided, single submitter. Criteria: ACMG Guidelines, 2015. Collection method: clinical testing. Allele origin: inherited. Inheritance: Autosomal recessive inheritance. Affected: yes.

Blueprint Genetics
Classification: Pathogenic for CFAP300-related disorders. Last evaluated: 2024-01-12. Review status: criteria provided, single submitter. Criteria: ACMG Guidelines, 2015. Collection method: clinical testing. Allele origin: germline. Affected: yes. Observed: 5 variant alleles.

Institute Of Molecular Biology And Genetics, Federal Almazov National Medical Research Centre
Classification: Pathogenic for Primary ciliary dyskinesia. Last evaluated: 2023-12-11. Review status: criteria provided, single submitter. Criteria: ACMG Guidelines, 2015. Collection method: clinical testing. Allele origin: germline. Affected: yes. Observed: 2 variant alleles.
Comment: ACMG: PVS1, PM2, PM3, PP5

CeGaT Center for Human Genetics Tuebingen
Classification: Pathogenic. Last evaluated: 2021-02-01. Review status: criteria provided, single submitter. Criteria: CeGaT Center For Human Genetics Tuebingen Variant Classification Criteria Version 2. Collection method: clinical testing. Allele origin: germline. Affected: yes. Observed: 1 variant allele.

PreventionGenetics, part of Exact Sciences
Classification: Likely pathogenic for CFAP300-related condition. Last evaluated: 2024-09-19. Review status: no assertion criteria provided. Collection method: clinical testing. Allele origin: germline. Not counted in ClinVar's aggregate classification.
Comment: The CFAP300 c.198_200delinsCC variant is predicted to result in a frameshift and premature protein termination (p.Phe67Profs*10). This variant has been reported in the homozygous state in two presumably unrelated patients with primary ciliary dyskinesia (previously known as C11orf70, Höben et al. 2018. PubMed ID: 29727693). This variant has not been reported in a large population database, indicating this variant is rare. Frameshift variants in CFAP300 are expected to be pathogenic. This variant is interpreted as likely pathogenic.

OMIM
Classification: Pathogenic for CILIARY DYSKINESIA, PRIMARY, 38. Last evaluated: 2018-07-31. Review status: no assertion criteria provided. Collection method: literature only. Allele origin: germline. Not counted in ClinVar's aggregate classification.

Literature cited by the submitters: PubMed 29727693 (cited by 3 submitters).